The following is an entry in ClinVar:

ClinVar aggregate classification (germline): Pathogenic (1 of 4 stars; one submission).

Conditions:
RYR1-related disorder. Also called: RYR1-related disorders; RYR1-related condition. Identifiers: MedGen CN239331.

Submission:

Labcorp Genetics (formerly Invitae), Labcorp
Classification: Pathogenic for RYR1-related disorder. Last evaluated: 2019-11-13. Review status: criteria provided, single submitter. Criteria: Invitae Variant Classification Sherloc (09022015). Collection method: clinical testing. Allele origin: germline.
Comment: This variant is an out-of-frame deletion of the genomic region encompassing exon 88 of the RYR1 gene. This is expected to create a premature translational stop signal and result in an absent or disrupted protein product. This variant has not been reported in the literature in individuals with RYR1-related conditions. Loss-of-function variants in RYR1 are known to be pathogenic (PMID: 20583297, 20839240, 23919265, 28818389). For these reasons, this variant has been classified as Pathogenic.

Literature cited by the submitters: PubMed 20583297; PubMed 20839240; PubMed 23919265; PubMed 28818389.

NC_000019.10:g.(?_38546435)_(38546536_?)del

Gene: RYR1 (ryanodine receptor 1; plus strand). Cytogenetic location: 19q13.2.
Variant type: Deletion.
Identifiers: ClinVar variation 830924 (VCV000830924.2).